The following is an entry in ClinVar:

NM_001367624.2(ZNF469):c.8218C>T (p.Leu2740=)

Gene: ZNF469 (zinc finger protein 469; plus strand). Cytogenetic location: 16q24.2.
Variant type: single nucleotide variant.
Coding change: c.8218C>T on transcript NM_001367624.2 (MANE Select); coding-DNA position 8218, C replaced by T.
Protein change: p.Leu2740=; no amino-acid change (leucine 2740 retained).
Molecular consequence: synonymous variant.
Genome position (GRCh38, 1-based): chr16:88,435,688, C>T. VCF-style: chr16-88435688-C-T. GRCh37 (hg19) VCF-style: chr16-88502096-C-T.
Other names: p.Leu2740=.
Identifiers: ClinVar variation 4684124 (VCV004684124.1).

ClinVar aggregate classification (germline): Likely benign (1 of 4 stars; one submission).

gnomAD v4.1: 3 of 1,550,576 alleles (0.00019%); no homozygotes.

Submission:

Mayo Clinic Laboratories, Mayo Clinic
Classification: Likely benign. Last evaluated: 2025-08-05. Review status: criteria provided, single submitter. Criteria: ACMG Guidelines, 2015. Collection method: clinical testing. Allele origin: germline. Observed: 1 variant allele.
Comment: BP4, BP7